The following is an entry in ClinVar:

ClinVar aggregate classification (germline): Uncertain significance. Review status: criteria provided, multiple submitters, no conflicts (2 of 4 stars). 2 submissions from 2 submitters: Uncertain significance (2). Last evaluated 2024-11-18.

Conditions:
PGM1-congenital disorder of glycosylation. Also called: PHOSPHOGLUCOMUTASE 1 DEFICIENCY; PGM1 DEFICIENCY; GLYCOGEN STORAGE DISEASE XIV; GSD XIV; CDG It; Congenital disorder of glycosylation type 1t. Identifiers: Orphanet 319646, MedGen C2752015, MONDO:0013968, OMIM 614921.

Allele frequency attached by ClinVar (database versions not stated): gnomAD exomes 0.00005; ExAC 0.00007; ESP Exome Variant Server 0.00008; TOPMed 0.00010; gnomAD 0.00011 and 0.00013.

Submissions (3):

Blueprint Genetics
Classification: Uncertain significance. Last evaluated: 2024-11-18. Review status: criteria provided, single submitter. Criteria: ACMG Guidelines, 2015. Collection method: clinical testing. Allele origin: germline.

Labcorp Genetics (formerly Invitae), Labcorp
Classification: Uncertain significance for PGM1-congenital disorder of glycosylation. Last evaluated: 2024-09-11. Review status: criteria provided, single submitter. Criteria: Invitae Variant Classification Sherloc (09022015). Collection method: clinical testing. Allele origin: germline.
Comment: This sequence change replaces arginine, which is basic and polar, with glutamine, which is neutral and polar, at codon 343 of the PGM1 protein (p.Arg343Gln). This variant also falls at the last nucleotide of exon 6, which is part of the consensus splice site for this exon. This variant is present in population databases (rs370265239, gnomAD 0.01%). This variant has not been reported in the literature in individuals affected with PGM1-related conditions. ClinVar contains an entry for this variant (Variation ID: 1409690). An algorithm developed to predict the effect of missense changes on protein structure and function (PolyPhen-2) suggests that this variant is likely to be disruptive. Variants that disrupt the consensus splice site are a relatively common cause of aberrant splicing (PMID: 17576681, 9536098). In summary, the available evidence is currently insufficient to determine the role of this variant in disease. Therefore, it has been classified as a Variant of Uncertain Significance.

Dr. Peter K. Rogan Lab, Western University
No classification provided (evidence only). Condition: Melanoma. Review status: no classification provided. Collection method: in vitro. Allele origin: not applicable. Functional consequence: retained intron. Not counted in ClinVar's aggregate classification.

Literature cited by the submitters: PubMed 17576681 (cited by Labcorp Genetics (formerly Invitae), Labcorp); PubMed 9536098 (cited by Labcorp Genetics (formerly Invitae), Labcorp).

NM_002633.3(PGM1):c.1028G>A (p.Arg343Gln)

Gene: PGM1 (phosphoglucomutase 1; plus strand). Cytogenetic location: 1p31.3.
Variant type: single nucleotide variant.
Coding change: c.1028G>A on transcript NM_002633.3 (MANE Select); coding-DNA position 1028, G replaced by A.
Protein change: p.Arg343Gln; replaces arginine 343 with glutamine.
Molecular consequence: missense variant.
Genome position (GRCh38, 1-based): chr1:63,636,388, G>A. VCF-style: chr1-63636388-G-A. GRCh37 (hg19) VCF-style: chr1-64102059-G-A.
Other names: c.1082G>A, p.Arg361Gln (NM_001172818.1); c.437G>A, p.Arg146Gln (NM_001172819.2); short protein forms R361Q, R146Q, R343Q.
Identifiers: ClinVar variation 1409690 (VCV001409690.6), dbSNP rs370265239, ClinGen allele CA889685.